The following is an entry in ClinVar:

NM_013275.6(ANKRD11):c.1470G>T (p.Glu490Asp)

Gene: ANKRD11 (ankyrin repeat domain containing 11; minus strand). Cytogenetic location: 16q24.3.
Variant type: single nucleotide variant.
Coding change: c.1470G>T on transcript NM_013275.6 (MANE Select); coding-DNA position 1470, G replaced by T.
Protein change: p.Glu490Asp; replaces glutamic acid 490 with aspartic acid.
Molecular consequence: missense variant.
Genome position (GRCh38, 1-based): chr16:89,285,072, C>A on the plus strand (G>T on the coding strand, the complement: ANKRD11 is on the minus strand). VCF-style: chr16-89285072-C-A. GRCh37 (hg19) VCF-style: chr16-89351480-C-A.
Other names: c.1470G>T, p.Glu490Asp (NM_001256182.2, NM_001256183.2); short protein forms E490D.
Identifiers: ClinVar variation 2682582 (VCV002682582.1), dbSNP rs2544244847, ClinGen allele CA397164884.
Genomic context (GRCh38, chr16:89,285,072, plus strand): 5'-CTTCAGCACCAGCGGGGACCCCTTGAGGCAGCCAGAGCTCCCCAGAGAGTCCCTGTCATC[C>A]TCCCCACTCTCTGAGGACTCGCTCTCCGACTCCGAGGAGCAGAACTTGTCGCTCCGCTTT-3'
Protein context (NP_037407.4, residues 480-500): ESESESSESG[Glu490Asp]DDRDSLGSSG

ClinVar aggregate classification (germline): Uncertain significance (1 of 4 stars; one submission).

Submission:

Women's Health and Genetics/Laboratory Corporation of America, LabCorp
Classification: Uncertain significance. Last evaluated: 2023-11-16. Review status: criteria provided, single submitter. Criteria: LabCorp Variant Classification Summary - May 2015. Collection method: clinical testing. Allele origin: germline.
Comment: Variant summary: ANKRD11 c.1470G>T (p.Glu490Asp) results in a conservative amino acid change in the encoded protein sequence. Three of five in-silico tools predict a benign effect of the variant on protein function. The variant was absent in 249698 control chromosomes. The available data on variant occurrences in the general population are insufficient to allow any conclusion about variant significance. To our knowledge, no occurrence of c.1470G>T in individuals affected with KBG Syndrome and no experimental evidence demonstrating its impact on protein function have been reported. No submitters have cited clinical-significance assessments for this variant to ClinVar after 2014. Based on the evidence outlined above, the variant was classified as uncertain significance.